The following is an entry in ClinVar:

NM_001844.5(COL2A1):c.1826G>C (p.Gly609Ala)

Gene: COL2A1 (collagen type II alpha 1 chain; minus strand). Cytogenetic location: 12q13.11.
Variant type: single nucleotide variant.
Coding change: c.1826G>C on transcript NM_001844.5 (MANE Select); coding-DNA position 1826, G replaced by C.
Protein change: p.Gly609Ala; replaces glycine 609 with alanine.
Molecular consequence: missense variant.
Genome position (GRCh38, 1-based): chr12:47,985,002, C>G on the plus strand (G>C on the coding strand, the complement: COL2A1 is on the minus strand). VCF-style: chr12-47985002-C-G. GRCh37 (hg19) VCF-style: chr12-48378785-C-G.
Other names: c.1619G>C, p.Gly540Ala (NM_033150.3); short protein forms G609A, G540A.
Identifiers: ClinVar variation 2792895 (VCV002792895.3), dbSNP rs140580674, ClinGen allele CA6535373.

ClinVar aggregate classification (germline): Likely pathogenic (1 of 4 stars; one submission).

Allele frequency attached by ClinVar (database versions not stated): ExAC 0.00001; gnomAD 0.00001; TOPMed 0.00001; ESP Exome Variant Server 0.00008.
gnomAD v4.1: 1 of 1,613,722 alleles (0.000062%); highest among the groups gnomAD compares: African/African-American, 0.0013%; no homozygotes.

Submission:

Labcorp Genetics (formerly Invitae), Labcorp
Classification: Likely pathogenic. Last evaluated: 2023-08-07. Review status: criteria provided, single submitter. Criteria: Invitae Variant Classification Sherloc (09022015). Collection method: clinical testing. Allele origin: germline.
Comment: This sequence change replaces glycine, which is neutral and non-polar, with alanine, which is neutral and non-polar, at codon 609 of the COL2A1 protein (p.Gly609Ala). This variant is not present in population databases (gnomAD no frequency). This variant has not been reported in the literature in individuals affected with COL2A1-related conditions. Advanced modeling of protein sequence and biophysical properties (such as structural, functional, and spatial information, amino acid conservation, physicochemical variation, residue mobility, and thermodynamic stability) performed at Invitae indicates that this missense variant is expected to disrupt COL2A1 protein function. This variant disrupts the triple helix domain of COL2A1. Glycine residues within the Gly-Xaa-Yaa repeats of the triple helix domain are required for the structure and stability of fibrillar collagens (PMID: 7695699, 8218237, 19344236). In COL2A1, variants affecting these glycine residues are significantly enriched in individuals with disease (PMID: 9016532, 17078022) compared to the general population (ExAC). In summary, the currently available evidence indicates that the variant is pathogenic, but additional data are needed to prove that conclusively. Therefore, this variant has been classified as Likely Pathogenic.

Literature cited by the submitters: PubMed 7695699; PubMed 8218237; PubMed 19344236; PubMed 9016532; PubMed 17078022.